The following is an entry in ClinVar:

ClinVar aggregate classification (germline): Uncertain significance (1 of 4 stars; one submission).

Conditions:
Singleton-Merten syndrome 1 (SGMRT1). Also called: Widened medullary cavities of bone, aortic calcification, abnormal dentition, and muscular weakness; Syndrome of widened medullary cavities of the metacarpals and phalanges, aortic calcification and abnormal dentition. Identifiers: Orphanet 85191, MedGen C4225427, MONDO:0024535, OMIM 182250.
Aicardi-Goutieres syndrome 7 (AGS7). Identifiers: Orphanet 51, MedGen C3888244, MONDO:0014367, OMIM 615846.

Submission:

Labcorp Genetics (formerly Invitae), Labcorp
Classification: Uncertain significance for Aicardi-Goutieres syndrome 7; Singleton-Merten syndrome 1. Last evaluated: 2023-03-23. Review status: criteria provided, single submitter. Criteria: Invitae Variant Classification Sherloc (09022015). Collection method: clinical testing. Allele origin: germline.
Comment: In summary, the available evidence is currently insufficient to determine the role of this variant in disease. Therefore, it has been classified as a Variant of Uncertain Significance. Advanced modeling of protein sequence and biophysical properties (such as structural, functional, and spatial information, amino acid conservation, physicochemical variation, residue mobility, and thermodynamic stability) has been performed at Invitae for this missense variant, however the output from this modeling did not meet the statistical confidence thresholds required to predict the impact of this variant on IFIH1 protein function. This variant has not been reported in the literature in individuals affected with IFIH1-related conditions. This variant is not present in population databases (gnomAD no frequency). This sequence change replaces alanine, which is neutral and non-polar, with valine, which is neutral and non-polar, at codon 691 of the IFIH1 protein (p.Ala691Val).

NM_022168.4(IFIH1):c.2072C>T (p.Ala691Val)

Gene: IFIH1 (interferon induced with helicase C domain 1; minus strand). Cytogenetic location: 2q24.2.
Variant type: single nucleotide variant.
Coding change: c.2072C>T on transcript NM_022168.4 (MANE Select); coding-DNA position 2072, C replaced by T.
Protein change: p.Ala691Val; replaces alanine 691 with valine.
Molecular consequence: missense variant.
Genome position (GRCh38, 1-based): chr2:162,276,919, G>A on the plus strand (C>T on the coding strand, the complement: IFIH1 is on the minus strand). VCF-style: chr2-162276919-G-A. GRCh37 (hg19) VCF-style: chr2-163133429-G-A.
Other names: short protein forms A691V.
Identifiers: ClinVar variation 2942740 (VCV002942740.3), dbSNP rs2468958285, ClinGen allele CA348998017.